The following is an entry in ClinVar:

ClinVar aggregate classification (germline): Uncertain significance (1 of 4 stars; one submission).

gnomAD v4.1: 21 of 1,541,936 alleles (0.0014%); highest among the groups gnomAD compares: South Asian, 0.0051%; no homozygotes.

Submission:

Labcorp Genetics (formerly Invitae), Labcorp
Classification: Uncertain significance. Last evaluated: 2023-02-13. Review status: criteria provided, single submitter. Criteria: Invitae Variant Classification Sherloc (09022015). Collection method: clinical testing. Allele origin: germline.
Comment: In summary, the available evidence is currently insufficient to determine the role of this variant in disease. Therefore, it has been classified as a Variant of Uncertain Significance. Algorithms developed to predict the effect of sequence changes on RNA splicing suggest that this variant may create or strengthen a splice site. This variant has not been reported in the literature in individuals affected with PCK2-related conditions. This variant is present in population databases (rs751666369, gnomAD 0.004%). This sequence change falls in intron 9 of the PCK2 gene. It does not directly change the encoded amino acid sequence of the PCK2 protein.

NM_004563.4(PCK2):c.1469-5C>G

Genes: NRL (neural retina leucine zipper; minus strand), PCK2 (phosphoenolpyruvate carboxykinase 2, mitochondrial; plus strand). Cytogenetic location: 14q12.
Variant type: single nucleotide variant.
Coding change: c.1469-5C>G on transcript NM_004563.4 (MANE Select); 5 bases into the intron before coding-DNA position 1469, C replaced by G.
Molecular consequence: intron variant.
Genome position (GRCh38, 1-based): chr14:24,103,505, C>G. VCF-style: chr14-24103505-C-G. GRCh37 (hg19) VCF-style: chr14-24572714-C-G.
Other names: c.-28+11217G>C (NM_001354768.3, NM_001354770.2); c.-254+11217G>C (NM_006177.5); c.1067-5C>G (NM_001308054.2, NM_001291556.2).
Identifiers: ClinVar variation 2919146 (VCV002919146.3), dbSNP rs751666369, ClinGen allele CA7123534.